The following is an entry in ClinVar:

ClinVar aggregate classification (germline): Conflicting classifications of pathogenicity. Review status: criteria provided, conflicting classifications (1 of 4 stars). 3 submissions from 3 submitters: Uncertain significance (2); Likely benign (1). Last evaluated 2025-12-22.

Conditions:
Hereditary nonpolyposis colorectal neoplasms. Identifiers: MedGen C0009405, MeSH D003123.
Hereditary cancer-predisposing syndrome. Also called: Neoplastic Syndromes, Hereditary; Tumor predisposition; Hereditary Cancer Syndrome; Hereditary neoplastic syndrome. Identifiers: Orphanet 140162, MedGen C0027672, MeSH D009386, MONDO:0015356.

Submissions (3):

Labcorp Genetics (formerly Invitae), Labcorp
Classification: Uncertain significance for Hereditary nonpolyposis colorectal neoplasms. Last evaluated: 2025-12-22. Review status: criteria provided, single submitter. Criteria: Invitae Variant Classification Sherloc (09022015). Collection method: clinical testing. Allele origin: germline.
Comment: This sequence change falls in intron 12 of the PMS2 gene. It does not directly change the encoded amino acid sequence of the PMS2 protein. It affects a nucleotide within the consensus splice site. The frequency data for this variant in the population databases (gnomAD) is considered unreliable due to the presence of homologous sequence, such as pseudogenes or paralogs, in the genome. This variant has not been reported in the literature in individuals affected with PMS2-related conditions. ClinVar contains an entry for this variant (Variation ID: 484282). Variants that disrupt the consensus splice site are a relatively common cause of aberrant splicing (PMID: 17576681, 9536098). RNA analysis provides insufficient evidence to determine the effect of this variant on PMS2 splicing (internal data). In summary, the available evidence is currently insufficient to determine the role of this variant in disease. Therefore, it has been classified as a Variant of Uncertain Significance.

Ambry Genetics
Classification: Likely benign for Hereditary cancer-predisposing syndrome. Last evaluated: 2025-04-29. Review status: criteria provided, single submitter. Criteria: Ambry Variant Classification Scheme 2023. Collection method: clinical testing. Allele origin: germline.

Quest Diagnostics Nichols Institute San Juan Capistrano
Classification: Uncertain significance. Last evaluated: 2024-10-01. Review status: criteria provided, single submitter. Criteria: Quest Diagnostics criteria. Collection method: clinical testing. Allele origin: unknown.
Comment: The PMS2 c.2175-3C>T variant has not been reported in individuals with PMS2-related conditions in the published literature. It also has not been reported in large, multi-ethnic general populations (Genome Aggregation Database). Analysis of this variant using software algorithms for the prediction of the effect of nucleotide changes on splicing yielded predictions that this variant does not affect PMS2 mRNA splicing. Based on the available information, we are unable to determine the clinical significance of this variant.

Literature cited by the submitters: PubMed 17576681 (cited by Labcorp Genetics (formerly Invitae), Labcorp); PubMed 9536098 (cited by Labcorp Genetics (formerly Invitae), Labcorp).

NM_000535.7(PMS2):c.2175-3C>T

Gene: PMS2 (PMS1 homolog 2, mismatch repair system component; minus strand). Cytogenetic location: 7p22.1.
Variant type: single nucleotide variant.
Coding change: c.2175-3C>T on transcript NM_000535.7 (MANE Select); 3 bases into the intron before coding-DNA position 2175, C replaced by T.
Molecular consequence: intron variant.
Genome position (GRCh38, 1-based): chr7:5,978,699, G>A on the plus strand (C>T on the coding strand, the complement: PMS2 is on the minus strand). VCF-style: chr7-5978699-G-A. GRCh37 (hg19) VCF-style: chr7-6018330-G-A.
Other names: c.1857-3C>T (NM_001322008.2, NM_001322007.2); c.1614-3C>T (NM_001322010.2); c.1770-3C>T (NM_001322004.2, NM_001322003.2, NM_001322009.2 and 1 more transcripts); c.1602-3C>T (NM_001322013.2); c.1242-3C>T (NM_001322012.2, NM_001322011.2); c.1866-3C>T (NM_001322015.2); c.2019-3C>T (NM_001322006.2); c.2175-3C>T (NM_001322014.2, NM_000535.6).
Identifiers: ClinVar variation 484282 (VCV000484282.13), dbSNP rs1326163718, ClinGen allele CA572544124.